The following is an entry in ClinVar:

ClinVar aggregate classification (germline): Uncertain significance (1 of 4 stars; one submission).

Conditions:
Centromeric instability of chromosomes 1,9 and 16 and immunodeficiency (ICF1). Also called: CENTROMERIC INSTABILITY, IMMUNODEFICIENCY SYNDROME; IMMUNE DEFICIENCY, VARIABLE, WITH CENTROMERIC INSTABILITY OF CHROMOSOMES 1, 9, AND 16; IMMUNODEFICIENCY SYNDROME, VARIABLE; Immunodeficiency-centromeric instability-facial anomalies. Identifiers: Orphanet 2268, MedGen C0398788, MONDO:0000133.

Allele frequency attached by ClinVar (database versions not stated): TOPMed 0.00006.
gnomAD v4.1: 29 of 1,614,116 alleles (0.0018%); highest among the groups gnomAD compares: Admixed American, 0.005%; no homozygotes.

Submission:

Labcorp Genetics (formerly Invitae), Labcorp
Classification: Uncertain significance for Centromeric instability of chromosomes 1,9 and 16 and immunodeficiency. Last evaluated: 2026-01-19. Review status: criteria provided, single submitter. Criteria: Invitae Variant Classification Sherloc (09022015). Collection method: clinical testing. Allele origin: germline.
Comment: This sequence change replaces glycine, which is neutral and non-polar, with arginine, which is basic and polar, at codon 198 of the DNMT3B protein (p.Gly198Arg). This variant is present in population databases (rs61758433, gnomAD 0.006%). This variant has not been reported in the literature in individuals affected with DNMT3B-related conditions. ClinVar contains an entry for this variant (Variation ID: 650154). Invitae Evidence Modeling of protein sequence and biophysical properties (such as structural, functional, and spatial information, amino acid conservation, physicochemical variation, residue mobility, and thermodynamic stability) indicates that this missense variant is not expected to disrupt DNMT3B protein function with a negative predictive value of 95%. In summary, the available evidence is currently insufficient to determine the role of this variant in disease. Therefore, it has been classified as a Variant of Uncertain Significance.

NM_006892.4(DNMT3B):c.592G>C (p.Gly198Arg)

Gene: DNMT3B (DNA methyltransferase 3 beta; plus strand). Cytogenetic location: 20q11.21.
Variant type: single nucleotide variant.
Coding change: c.592G>C on transcript NM_006892.4 (MANE Select); coding-DNA position 592, G replaced by C.
Protein change: p.Gly198Arg; replaces glycine 198 with arginine.
Molecular consequence: missense variant.
Genome position (GRCh38, 1-based): chr20:32,787,389, G>C. VCF-style: chr20-32787389-G-C. GRCh37 (hg19) VCF-style: chr20-31375195-G-C.
Other names: c.466G>C, p.Gly156Arg (NM_001207055.2); c.364G>C, p.Gly122Arg (NM_001207056.2); c.592G>C, p.Gly198Arg (NM_175848.2, NM_175849.2); c.628G>C, p.Gly210Arg (NM_175850.3); short protein forms G156R, G210R, G198R, G122R.
Identifiers: ClinVar variation 650154 (VCV000650154.10), dbSNP rs61758433, ClinGen allele CA9810262.